The following is an entry in ClinVar:

ClinVar aggregate classification (germline): Uncertain significance (1 of 4 stars; one submission).

Submission:

Labcorp Genetics (formerly Invitae), Labcorp
Classification: Uncertain significance. Last evaluated: 2023-01-15. Review status: criteria provided, single submitter. Criteria: Invitae Variant Classification Sherloc (09022015). Collection method: clinical testing. Allele origin: germline.
Comment: This variant has not been reported in the literature in individuals affected with NLRP1-related conditions. In summary, the available evidence is currently insufficient to determine the role of this variant in disease. Therefore, it has been classified as a Variant of Uncertain Significance. Algorithms developed to predict the effect of sequence changes on RNA splicing suggest that this variant may disrupt the consensus splice site. Algorithms developed to predict the effect of missense changes on protein structure and function (SIFT, PolyPhen-2, Align-GVGD) all suggest that this variant is likely to be tolerated. This variant is not present in population databases (gnomAD no frequency). This sequence change replaces leucine, which is neutral and non-polar, with valine, which is neutral and non-polar, at codon 140 of the NLRP1 protein (p.Leu140Val).

NM_033004.4(NLRP1):c.418C>G (p.Leu140Val)

Gene: NLRP1 (NLR family pyrin domain containing 1; minus strand). Cytogenetic location: 17p13.2.
Variant type: single nucleotide variant.
Coding change: c.418C>G on transcript NM_033004.4 (MANE Select); coding-DNA position 418, C replaced by G.
Protein change: p.Leu140Val; replaces leucine 140 with valine.
Molecular consequence: missense variant.
Genome position (GRCh38, 1-based): chr17:5,582,700, G>C on the plus strand (C>G on the coding strand, the complement: NLRP1 is on the minus strand). VCF-style: chr17-5582700-G-C. GRCh37 (hg19) VCF-style: chr17-5486020-G-C.
Other names: c.418C>G, p.Leu140Val (NM_001033053.3, NM_014922.5, NM_033006.4 and 1 more transcripts); short protein forms L140V.
Identifiers: ClinVar variation 1918539 (VCV001918539.5), dbSNP rs113651705, ClinGen allele CA287292307.